The following is an entry in ClinVar:

NM_002047.4(GARS1):c.1198G>A (p.Val400Met)

Gene: GARS1 (glycyl-tRNA synthetase 1; plus strand). Cytogenetic location: 7p14.3.
Variant type: single nucleotide variant.
Coding change: c.1198G>A on transcript NM_002047.4 (MANE Select); coding-DNA position 1198, G replaced by A.
Protein change: p.Val400Met; replaces valine 400 with methionine.
Molecular consequence: missense variant.
Genome position (GRCh38, 1-based): chr7:30,617,117, G>A. VCF-style: chr7-30617117-G-A. GRCh37 (hg19) VCF-style: chr7-30656733-G-A.
Other names: p.Val400Met; c.1036G>A, p.Val346Met (NM_001316772.1); short protein forms V346M, V400M.
Identifiers: ClinVar variation 941154 (VCV000941154.10), dbSNP rs1782903666, ClinGen allele CA367126885.

ClinVar aggregate classification (germline): Uncertain significance. Review status: criteria provided, multiple submitters, no conflicts (2 of 4 stars). 2 submissions from 2 submitters: Uncertain significance (2). Last evaluated 2025-08-14.

Conditions:
Charcot-Marie-Tooth disease type 2. Also called: Charcot-Marie-Tooth type 2. Identifiers: Orphanet 64746, MedGen C0270914, MONDO:0018993.

Allele frequency attached by ClinVar (database versions not stated): gnomAD exomes 0.00001.
gnomAD v4.1: 7 of 1,614,070 alleles (0.00043%); highest among the groups gnomAD compares: Middle Eastern, 0.017%; no homozygotes.

Submissions (2):

Mayo Clinic Laboratories, Mayo Clinic
Classification: Uncertain significance. Last evaluated: 2025-08-14. Review status: criteria provided, single submitter. Criteria: ACMG Guidelines, 2015. Collection method: clinical testing. Allele origin: germline. Observed: 1 variant allele.

Labcorp Genetics (formerly Invitae), Labcorp
Classification: Uncertain significance for Charcot-Marie-Tooth disease type 2. Last evaluated: 2023-07-07. Review status: criteria provided, single submitter. Criteria: Invitae Variant Classification Sherloc (09022015). Collection method: clinical testing. Allele origin: germline.
Comment: In summary, the available evidence is currently insufficient to determine the role of this variant in disease. Therefore, it has been classified as a Variant of Uncertain Significance. Advanced modeling of protein sequence and biophysical properties (such as structural, functional, and spatial information, amino acid conservation, physicochemical variation, residue mobility, and thermodynamic stability) performed at Invitae indicates that this missense variant is not expected to disrupt GARS protein function. ClinVar contains an entry for this variant (Variation ID: 941154). This variant has not been reported in the literature in individuals affected with GARS-related conditions. This variant is not present in population databases (gnomAD no frequency). This sequence change replaces valine, which is neutral and non-polar, with methionine, which is neutral and non-polar, at codon 400 of the GARS protein (p.Val400Met).